The following is an entry in ClinVar:

NM_003721.4(RFXANK):c.661G>A (p.Asp221Asn)

Gene: RFXANK (regulatory factor X associated ankyrin containing protein; plus strand). Cytogenetic location: 19p13.11.
Variant type: single nucleotide variant.
Coding change: c.661G>A on transcript NM_003721.4 (MANE Select); coding-DNA position 661, G replaced by A.
Protein change: p.Asp221Asn; replaces aspartic acid 221 with asparagine.
Molecular consequence: missense variant.
Genome position (GRCh38, 1-based): chr19:19,199,183, G>A. VCF-style: chr19-19199183-G-A. GRCh37 (hg19) VCF-style: chr19-19309992-G-A.
Other names: c.595G>A, p.Asp199Asn (NM_001278727.2, NM_001370234.1); c.592G>A, p.Asp198Asn (NM_001278728.2, NM_134440.3); c.661G>A, p.Asp221Asn (NM_001370233.1, NM_001370238.1); c.658G>A, p.Asp220Asn (NM_001370235.1, NM_001370236.1, NM_001370237.1); short protein forms D198N, D220N, D199N, D221N.
Identifiers: ClinVar variation 1474164 (VCV001474164.7), dbSNP rs1479307125, ClinGen allele CA404897424.
Genomic context (GRCh38, chr19:19,199,183, plus strand): 5'-ACCCTCCAGCGCCCTCCCCTCTCCTTTGCAGCCCGAGGCGCTGACCTCACCACCGAAGCC[G>A]ACTCTGGCTACACCCCGATGGACCTTGCCGTGGCCCTGGGATACCGGAAAGGTCAGCCTG-3'
Protein context (NP_003712.1, residues 211-231): ARGADLTTEA[Asp221Asn]SGYTPMDLAV

ClinVar aggregate classification (germline): Uncertain significance (1 of 4 stars; one submission).

Conditions:
MHC class II deficiency. Also called: BLS, TYPE II; Bare lymphocyte syndrome 2. Identifiers: Orphanet 572, MedGen C5447452, MONDO:0008855.

Allele frequency attached by ClinVar (database versions not stated): gnomAD 0.00001; gnomAD exomes 0.00001.
gnomAD v4.1: 14 of 1,613,940 alleles (0.00087%); highest among the groups gnomAD compares: African/African-American, 0.004%; no homozygotes.

Submission:

Labcorp Genetics (formerly Invitae), Labcorp
Classification: Uncertain significance for MHC class II deficiency. Last evaluated: 2024-02-23. Review status: criteria provided, single submitter. Criteria: Invitae Variant Classification Sherloc (09022015). Collection method: clinical testing. Allele origin: germline.
Comment: This sequence change replaces aspartic acid, which is acidic and polar, with asparagine, which is neutral and polar, at codon 221 of the RFXANK protein (p.Asp221Asn). This variant is present in population databases (no rsID available, gnomAD 0.004%). This variant has not been reported in the literature in individuals affected with RFXANK-related conditions. ClinVar contains an entry for this variant (Variation ID: 1474164). Advanced modeling of protein sequence and biophysical properties (such as structural, functional, and spatial information, amino acid conservation, physicochemical variation, residue mobility, and thermodynamic stability) performed at Invitae indicates that this missense variant is not expected to disrupt RFXANK protein function with a negative predictive value of 80%. In summary, the available evidence is currently insufficient to determine the role of this variant in disease. Therefore, it has been classified as a Variant of Uncertain Significance.